The following is an entry in ClinVar:

NM_014516.4(CNOT3):c.554C>T (p.Thr185Ile)

Gene: CNOT3 (CCR4-NOT transcription complex subunit 3; plus strand). Cytogenetic location: 19q13.42.
Variant type: single nucleotide variant.
Coding change: c.554C>T on transcript NM_014516.4 (MANE Select); coding-DNA position 554, C replaced by T.
Protein change: p.Thr185Ile; replaces threonine 185 with isoleucine.
Molecular consequence: missense variant.
Genome position (GRCh38, 1-based): chr19:54,145,668, C>T. VCF-style: chr19-54145668-C-T. GRCh37 (hg19) VCF-style: chr19-54649404-C-T.
Other names: short protein forms T185I.
Identifiers: ClinVar variation 3769888 (VCV003769888.1).

ClinVar aggregate classification (germline): Uncertain significance (1 of 4 stars; one submission).

Submission:

GeneDx
Classification: Uncertain significance. Last evaluated: 2024-09-13. Review status: criteria provided, single submitter. Criteria: GeneDx Variant Classification Process June 2021. Collection method: clinical testing. Allele origin: germline. Affected: yes.
Comment: Not observed at significant frequency in large population cohorts (gnomAD); In silico analysis supports that this missense variant has a deleterious effect on protein structure/function; Has not been previously published as pathogenic or benign to our knowledge